The following is an entry in ClinVar:

ClinVar aggregate classification (germline): Benign/Likely benign. Review status: criteria provided, multiple submitters, no conflicts (2 of 4 stars). 6 submissions from 6 submitters: Benign (2); Likely benign (4). Last evaluated 2026-01-05.

Conditions:
Familial sleep-related hypermotor epilepsy. Also called: Autosomal Dominant Sleep-Related Hypermotor (Hyperkinetic) Epilepsy. Identifiers: Orphanet 98784, MedGen C3696898, MONDO:0000030.
Inborn genetic diseases. Identifiers: MedGen C0950123, MeSH D030342.

Allele frequency attached by ClinVar (database versions not stated): gnomAD exomes 0.00011 and 0.00033; ExAC 0.00038; ESP Exome Variant Server 0.00054; gnomAD 0.00080 and 0.00082; TOPMed 0.00090; 1000 Genomes Project 0.00140; 1000 Genomes Project 30x 0.00172.
gnomAD v4.1: 301 of 1,613,638 alleles (0.019%); highest among the groups gnomAD compares: African/African-American, 0.22%; no homozygotes.

Submissions (6):

Labcorp Genetics (formerly Invitae), Labcorp
Classification: Benign. Last evaluated: 2026-01-05. Review status: criteria provided, single submitter. Criteria: Invitae Variant Classification Sherloc (09022015). Collection method: clinical testing. Allele origin: germline.

CeGaT Center for Human Genetics Tuebingen
Classification: Likely benign. Last evaluated: 2025-10-01. Review status: criteria provided, single submitter. Criteria: CeGaT Center For Human Genetics Tuebingen Variant Classification Criteria Version 2. Collection method: clinical testing. Allele origin: germline. Affected: yes. Observed: 2 variant alleles.
Comment: CHRNA4: BP4, BP7

Blueprint Genetics
Classification: Likely benign. Last evaluated: 2024-06-28. Review status: criteria provided, single submitter. Criteria: ACMG Guidelines, 2015. Collection method: clinical testing. Allele origin: germline.

GeneDx
Classification: Benign. Last evaluated: 2019-04-02. Review status: criteria provided, single submitter. Criteria: GeneDx Variant Classification Process June 2021. Collection method: clinical testing. Allele origin: germline. Affected: yes.

Eurofins Ntd Llc (ga)
Classification: Likely benign. Last evaluated: 2017-11-09. Review status: criteria provided, single submitter. Criteria: EGL Classification Definitions 2015. Collection method: clinical testing. Allele origin: germline. Observed: 2 variant alleles, 2 heterozygotes.

Ambry Genetics
Classification: Likely benign for Inborn genetic diseases. Last evaluated: 2016-12-15. Review status: criteria provided, single submitter. Criteria: Ambry Variant Classification Scheme 2023. Collection method: clinical testing. Allele origin: germline.

NM_000744.7(CHRNA4):c.1053C>T (p.Ile351=)

Gene: CHRNA4 (cholinergic receptor nicotinic alpha 4 subunit; minus strand). Cytogenetic location: 20q13.33.
Variant type: single nucleotide variant.
Coding change: c.1053C>T on transcript NM_000744.7 (MANE Select); coding-DNA position 1053, C replaced by T.
Protein change: p.Ile351=; no amino-acid change (isoleucine 351 retained).
Molecular consequence: synonymous variant. On other transcripts: non-coding transcript variant (1).
Genome position (GRCh38, 1-based): chr20:63,350,358, G>A on the plus strand (C>T on the coding strand, the complement: CHRNA4 is on the minus strand). VCF-style: chr20-63350358-G-A. GRCh37 (hg19) VCF-style: chr20-61981710-G-A.
Other names: c.525C>T, p.Ile175= (NM_001256573.2).
Identifiers: ClinVar variation 290989 (VCV000290989.30), dbSNP rs61737042, ClinGen allele CA9957669.